The following is an entry in ClinVar:

NM_016107.5(ZFR):c.2545G>A (p.Ala849Thr)

Gene: ZFR (zinc finger RNA binding protein; minus strand). Cytogenetic location: 5p13.3.
Variant type: single nucleotide variant.
Coding change: c.2545G>A on transcript NM_016107.5 (MANE Select); coding-DNA position 2545, G replaced by A.
Protein change: p.Ala849Thr; replaces alanine 849 with threonine.
Molecular consequence: missense variant. On other transcripts: non-coding transcript variant (1).
Genome position (GRCh38, 1-based): chr5:32,385,604, C>T on the plus strand (G>A on the coding strand, the complement: ZFR is on the minus strand). VCF-style: chr5-32385604-C-T. GRCh37 (hg19) VCF-style: chr5-32385710-C-T.
Other names: short protein forms A849T.
Identifiers: ClinVar variation 3705538 (VCV003705538.2).
Genomic context (GRCh38, chr5:32,385,604, plus strand): 5'-ATGTCAGTGTGATAGTGACTTGCATTTTGGGTTCCACACATGAATTCAAAATTATTGCCG[C>T]TTCAGATACAGCACATTTTATGTCATACTTCTCAGGGCTTATAACCTGTGTAATGAAGAT-3'
Protein context (NP_057191.2, residues 839-859): KYDIKCAVSE[Ala849Thr]AIILNSCVEP

ClinVar aggregate classification (germline): Uncertain significance (1 of 4 stars; one submission).

Conditions:
Pure or complex autosomal recessive spastic paraplegia. Identifiers: Orphanet 320346, MedGen C5679887, MONDO:0017915.

gnomAD v4.1: 7 of 1,613,306 alleles (0.00043%); no homozygotes.

Submission:

Labcorp Genetics (formerly Invitae), Labcorp
Classification: Uncertain significance for Pure or complex autosomal recessive spastic paraplegia. Last evaluated: 2024-05-29. Review status: criteria provided, single submitter. Criteria: Invitae Variant Classification Sherloc (09022015). Collection method: clinical testing. Allele origin: germline.
Comment: This sequence change replaces alanine, which is neutral and non-polar, with threonine, which is neutral and polar, at codon 849 of the ZFR protein (p.Ala849Thr). This variant is present in population databases (no rsID available, gnomAD 0.01%). This variant has not been reported in the literature in individuals affected with ZFR-related conditions. Experimental studies and prediction algorithms are not available or were not evaluated, and the functional significance of this variant is currently unknown. In summary, the available evidence is currently insufficient to determine the role of this variant in disease. Therefore, it has been classified as a Variant of Uncertain Significance.